The following is an entry in ClinVar:

ClinVar aggregate classification (germline): Conflicting classifications of pathogenicity. Review status: criteria provided, conflicting classifications (1 of 4 stars). 3 submissions from 3 submitters: Uncertain significance (1); Likely benign (1). 1 of the submissions does not count toward it. Last evaluated 2025-05-18.

Conditions:
COL11A2-related disorder. Also called: COL11A2-related disorders; COL11A2-related condition.

Allele frequency attached by ClinVar (database versions not stated): ExAC 0.00001; gnomAD 0.00001; gnomAD exomes 0.00001.
gnomAD v4.1: 16 of 1,612,672 alleles (0.00099%); highest among the groups gnomAD compares: African/African-American, 0.0027%; no homozygotes.

Submissions (3):

Labcorp Genetics (formerly Invitae), Labcorp
Classification: Likely benign. Last evaluated: 2025-05-18. Review status: criteria provided, single submitter. Criteria: Invitae Variant Classification Sherloc (09022015). Collection method: clinical testing. Allele origin: germline.

Blueprint Genetics
Classification: Uncertain significance. Last evaluated: 2022-03-25. Review status: criteria provided, single submitter. Criteria: ACMG Guidelines, 2015. Collection method: clinical testing. Allele origin: germline.

PreventionGenetics, part of Exact Sciences
Classification: Uncertain significance for COL11A2-related condition. Last evaluated: 2024-09-11. Review status: no assertion criteria provided. Collection method: clinical testing. Allele origin: germline. Not counted in ClinVar's aggregate classification.
Comment: The COL11A2 c.3391C>T variant is predicted to result in the amino acid substitution p.Arg1131Trp. To our knowledge, this variant has not been reported in the literature. This variant is reported in 0.0066% of alleles in individuals of African descent in gnomAD. At this time, the clinical significance of this variant is uncertain due to the absence of conclusive functional and genetic evidence.

NM_080680.3(COL11A2):c.3391C>T (p.Arg1131Trp)

Gene: COL11A2 (collagen type XI alpha 2 chain; minus strand). Cytogenetic location: 6p21.32.
Variant type: single nucleotide variant.
Coding change: c.3391C>T on transcript NM_080680.3 (MANE Select); coding-DNA position 3391, C replaced by T.
Protein change: p.Arg1131Trp; replaces arginine 1131 with tryptophan.
Molecular consequence: missense variant.
Genome position (GRCh38, 1-based): chr6:33,170,893, G>A on the plus strand (C>T on the coding strand, the complement: COL11A2 is on the minus strand). VCF-style: chr6-33170893-G-A. GRCh37 (hg19) VCF-style: chr6-33138670-G-A.
Other names: c.3391C>T (NM_080680.2); c.3070C>T, p.Arg1024Trp (NM_080679.3); c.3133C>T, p.Arg1045Trp (NM_080681.3); short protein forms R1045W, R1024W, R1131W.
Identifiers: ClinVar variation 1446422 (VCV001446422.10), dbSNP rs746900226, ClinGen allele CA3750517.